The following is an entry in ClinVar:

NM_018149.7(SMG8):c.619_622del (p.Cys207fs)

Gene: SMG8 (SMG8 nonsense mediated mRNA decay factor; plus strand). Cytogenetic location: 17q22.
Variant type: Microsatellite.
Coding change: c.619_622del on transcript NM_018149.7 (MANE Select); coding-DNA positions 619 to 622, 4 bases deleted (TGTC; older notation c.619_622delTGTC).
Protein change: p.Cys207fs; shifts the reading frame from cysteine 207.
Molecular consequence: frameshift variant.
Genome position (GRCh38, 1-based): chr17:59,210,670-59,210,673, TGTC deleted; deleting any 4 consecutive bases within chr17:59,210,664-59,210,673 gives the same sequence; the c. name uses the placement nearest the transcript's 3' end. VCF-style (leftmost placement, unchanged base first): chr17-59210663-CTCTG-C. GRCh37 (hg19) VCF-style: chr17-57288024-CTCTG-C.
Other names: short protein forms C207fs.
Identifiers: ClinVar variation 3382840 (VCV003382840.3).

ClinVar aggregate classification (germline): Likely pathogenic (1 of 4 stars; one submission).

Conditions:
Alzahrani-Kuwahara syndrome. Also called: NEURODEVELOPMENTAL DISORDER WITH DYSMORPHIC FACIES AND CATARACTS. Identifiers: MedGen C5543274, MONDO:0859136, OMIM 619268.

Submission:

Juno Genomics, Hangzhou Juno Genomics, Inc
Classification: Likely pathogenic for Alzahrani-Kuwahara syndrome. Review status: criteria provided, single submitter. Criteria: ACMG Guidelines, 2015. Collection method: clinical testing. Allele origin: germline.
Comment: Absent from controls (or at extremely low frequency if recessive) in Genome Aggregation Database.;Null variant in a gene where loss of function (LOF) is a known mechanism of disease.